The following is an entry in ClinVar:

NM_014049.5(ACAD9):c.104del (p.Pro35fs)

Gene: ACAD9 (acyl-CoA dehydrogenase family member 9; plus strand). Cytogenetic location: 3q21.3.
Variant type: Deletion.
Coding change: c.104del on transcript NM_014049.5 (MANE Select); coding-DNA position 104, one base deleted (C; older notation c.104delC).
Protein change: p.Pro35fs; shifts the reading frame from proline 35.
Molecular consequence: frameshift variant. On other transcripts: 5 prime UTR variant (1), non-coding transcript variant (1).
Genome position (GRCh38, 1-based): chr3:128,879,795, C deleted; the last of 2 consecutive C bases (chr3:128,879,794-128,879,795); deleting either gives the same sequence. VCF-style (leftmost placement, unchanged base first): chr3-128879793-GC-G. GRCh37 (hg19) VCF-style: chr3-128598636-GC-G.
Other names: c.-172del (NM_001410805.1); short protein forms P35fs.
Identifiers: ClinVar variation 2839311 (VCV002839311.3), dbSNP rs2529221609, ClinGen allele CA2739278140.

ClinVar aggregate classification (germline): Pathogenic (1 of 4 stars; one submission).

Submission:

Labcorp Genetics (formerly Invitae), Labcorp
Classification: Pathogenic. Last evaluated: 2023-02-26. Review status: criteria provided, single submitter. Criteria: Invitae Variant Classification Sherloc (09022015). Collection method: clinical testing. Allele origin: germline.
Comment: This sequence change creates a premature translational stop signal (p.Pro35Leufs*11) in the ACAD9 gene. It is expected to result in an absent or disrupted protein product. Loss-of-function variants in ACAD9 are known to be pathogenic (PMID: 25721401). For these reasons, this variant has been classified as Pathogenic. This variant has not been reported in the literature in individuals affected with ACAD9-related conditions. This variant is not present in population databases (gnomAD no frequency).

Literature cited by the submitters: PubMed 25721401.